The following is an entry in ClinVar:

NM_001561.6(TNFRSF9):c.465C>T (p.Asp155=)

Gene: TNFRSF9 (TNF receptor superfamily member 9; minus strand). Cytogenetic location: 1p36.23.
Variant type: single nucleotide variant.
Coding change: c.465C>T on transcript NM_001561.6 (MANE Select); coding-DNA position 465, C replaced by T.
Protein change: p.Asp155=; no amino-acid change (aspartic acid 155 retained).
Molecular consequence: synonymous variant.
Genome position (GRCh38, 1-based): chr1:7,935,092, G>A on the plus strand (C>T on the coding strand, the complement: TNFRSF9 is on the minus strand). VCF-style: chr1-7935092-G-A. GRCh37 (hg19) VCF-style: chr1-7995152-G-A.
Identifiers: ClinVar variation 1080088 (VCV001080088.20), dbSNP rs373859958, ClinGen allele CA569215.

ClinVar aggregate classification (germline): Likely benign. Review status: criteria provided, multiple submitters, no conflicts (2 of 4 stars). 2 submissions from 2 submitters: Likely benign (2). Last evaluated 2026-01-06.

Allele frequency attached by ClinVar (database versions not stated): ExAC 0.00002; gnomAD 0.00003 and 0.00004; gnomAD exomes 0.00004; TOPMed 0.00006.

Submissions (2):

Labcorp Genetics (formerly Invitae), Labcorp
Classification: Likely benign. Last evaluated: 2026-01-06. Review status: criteria provided, single submitter. Criteria: Invitae Variant Classification Sherloc (09022015). Collection method: clinical testing. Allele origin: germline.

CeGaT Center for Human Genetics Tuebingen
Classification: Likely benign. Last evaluated: 2025-05-01. Review status: criteria provided, single submitter. Criteria: CeGaT Center For Human Genetics Tuebingen Variant Classification Criteria Version 2. Collection method: clinical testing. Allele origin: germline. Affected: yes. Observed: 1 variant allele.
Comment: TNFRSF9: BP4, BP7